The following is an entry in ClinVar:

ClinVar aggregate classification (germline): Benign. Review status: criteria provided, multiple submitters, no conflicts (2 of 4 stars). 3 submissions from 3 submitters: Benign (3). Last evaluated 2026-02-01.

Conditions:
Gelatinous droplike corneal dystrophy (GDLD). Also called: AMYLOID CORNEAL DYSTROPHY, JAPANESE TYPE. Identifiers: Orphanet 98957, MedGen C0339273, MONDO:0008777, OMIM 204870.

Allele frequency attached by ClinVar (database versions not stated): gnomAD 0.14107 and 0.14507; ESP Exome Variant Server 0.14921; TOPMed 0.14965; 1000 Genomes Project 0.15715; 1000 Genomes Project 30x 0.16380.
gnomAD v4.1: 134,772 of 1,612,390 alleles (8.4%); highest among the groups gnomAD compares: African/African-American, 33%; 8,468 homozygotes.

Submissions (3):

Labcorp Genetics (formerly Invitae), Labcorp
Classification: Benign. Last evaluated: 2026-02-01. Review status: criteria provided, single submitter. Criteria: Invitae Variant Classification Sherloc (09022015). Collection method: clinical testing. Allele origin: germline.

Illumina Laboratory Services, Illumina
Classification: Benign for Gelatinous droplike corneal dystrophy. Last evaluated: 2018-01-13. Review status: criteria provided, single submitter. Criteria: ICSL Variant Classification Criteria 13 December 2019. Collection method: clinical testing. Allele origin: germline.
Comment: This variant was observed in the ICSL laboratory as part of a predisposition screen in an ostensibly healthy population. It had not been previously curated by ICSL or reported in the Human Gene Mutation Database (HGMD: prior to June 1st, 2018), and was therefore a candidate for classification through an automated scoring system. Utilizing variant allele frequency, disease prevalence and penetrance estimates, and inheritance mode, an automated score was calculated to assess if this variant is too frequent to cause the disease. Based on the score and internal cut-off values, a variant classified as benign is not then subjected to further curation. The score for this variant resulted in a classification of benign for this disease.

Breakthrough Genomics
Classification: Benign. Review status: criteria provided, single submitter. Criteria: ACMG Guidelines, 2015. Collection method: not provided. Allele origin: germline. Inheritance: Autosomal recessive inheritance. Affected: yes.

NM_002353.3(TACSTD2):c.648C>A (p.Asp216Glu)

Gene: TACSTD2 (tumor associated calcium signal transducer 2; minus strand). Cytogenetic location: 1p32.1.
Variant type: single nucleotide variant.
Coding change: c.648C>A on transcript NM_002353.3 (MANE Select); coding-DNA position 648, C replaced by A.
Protein change: p.Asp216Glu; replaces aspartic acid 216 with glutamic acid.
Molecular consequence: missense variant.
Genome position (GRCh38, 1-based): chr1:58,576,509, G>T on the plus strand (C>A on the coding strand, the complement: TACSTD2 is on the minus strand). VCF-style: chr1-58576509-G-T. GRCh37 (hg19) VCF-style: chr1-59042181-G-T.
Other names: short protein forms D216E.
Identifiers: ClinVar variation 297768 (VCV000297768.13), dbSNP rs14008, ClinGen allele CA877376.
Genomic context (GRCh38, chr1:58,576,509, plus strand): 5'-GAATAGAGACTCGCCCTTGATGTCCCTCTCGAAGTAGTAGGCGGCATCGCCGATATCCAC[G>T]TCACCGGCGGCCTTCTGAGACGTGTTCTGCCGCAGCTCGATCTGGATGGTGGGCTGCTCG-3'
Protein context (NP_002344.2, residues 206-226): RQNTSQKAAG[Asp216Glu]VDIGDAAYYF